The following is an entry in ClinVar:

NM_001009944.3(PKD1):c.8213_8214del (p.Glu2738fs)

Gene: PKD1 (polycystin 1, transient receptor potential channel interacting; minus strand). Cytogenetic location: 16p13.3.
Variant type: Microsatellite.
Coding change: c.8213_8214del on transcript NM_001009944.3 (MANE Select); coding-DNA positions 8213 to 8214, 2 bases deleted (AG; older notation c.8213_8214delAG).
Protein change: p.Glu2738fs; shifts the reading frame from glutamic acid 2738.
Molecular consequence: frameshift variant.
Genome position (GRCh38, 1-based): chr16:2,103,843-2,103,844, CT deleted on the plus strand (AG on the coding strand, the reverse complement: PKD1 is on the minus strand); deleting any 2 consecutive bases within chr16:2,103,843-2,103,846 gives the same sequence; the c. name uses the placement nearest the transcript's 3' end. VCF-style (leftmost placement, unchanged base first): chr16-2103842-GCT-G. GRCh37 (hg19) VCF-style: chr16-2153843-GCT-G.
Other names: c.8213_8214del, p.Glu2738fs (NM_000296.4); short protein forms E2738fs.
Identifiers: ClinVar variation 4879611 (VCV004879611.1).
Genomic context (GRCh38, chr16:2,103,842, plus strand): 5'-GGGCAGAGGTCAGGTTGTAGGCCTGGGACGCCACCATCCGAGATGGTGACTCGGCTCCCA[GCT>G]CTGAGGGCTGTGGTGCCCGCACGTCCGAGCTGGCCAGGTGGATGAGGTCTCCTGCAGACA-3'

ClinVar aggregate classification (germline): Pathogenic (1 of 4 stars; one submission).

Conditions:
Polycystic kidney disease, adult type (PKD1). Also called: Polycystic Kidney Disease 1, Autosomal Dominant; Polycystic kidney disease 1; Polycystic kidney disease 1, severe; POLYCYSTIC KIDNEY DISEASE, ADULT, TYPE I; Polycystic Kidney, Autosomal Dominant; POLYCYSTIC KIDNEY DISEASE 1 WITH OR WITHOUT POLYCYSTIC LIVER DISEASE. Identifiers: MedGen C3149841, MONDO:0008263, OMIM 173900.

Submission:

Victorian Clinical Genetics Services, Murdoch Childrens Research Institute
Classification: Pathogenic for Polycystic kidney disease, adult type. Last evaluated: 2026-02-12. Review status: criteria provided, single submitter. Criteria: ACMG Guidelines, 2015. Collection method: clinical testing. Allele origin: germline. Affected: yes.
Comment: This variant is classified as Pathogenic. Evidence in support of pathogenic classification: Variant is predicted to cause nonsense-mediated decay (NMD) and loss of protein (premature termination codon is located at least 54 nucleotides upstream of the final exon-exon junction); Variant is absent from gnomAD (v2, v3 and v4); Other NMD-predicted variant(s) comparable to the one identified in this case have very strong previous evidence for pathogenicity (DECIPHER). Additional information: This variant is heterozygous; This gene is associated with autosomal dominant disease. Polycystic kidney disease 1 (MIM#173900) is predominantly caused by monoallelic variants, with rare reports of biallelic variants causing disease (OMIM); Loss of function is a known mechanism of disease in this gene and is associated with polycystic kidney disease 1 (MIM#173900); Inheritance information for this variant is not currently available in this individual.